The following is an entry in ClinVar:

ClinVar aggregate classification (germline): Likely pathogenic. Review status: criteria provided, single submitter (1 of 4 stars). 2 submissions from 2 submitters: Likely pathogenic (1). 1 of the submissions does not count toward it. Last evaluated 2011-08-18.

Conditions:
Osteogenesis imperfecta (OI). Identifiers: Orphanet 666, MedGen C0029434, MeSH D010013, MONDO:0019019.
Osteogenesis imperfecta with normal sclerae, dominant form (OI4). Also called: OSTEOGENESIS IMPERFECTA WITH NORMAL SCLERAE; Osteogenesis imperfecta type 4; Common Variable Osteogenesis Imperfecta with Normal Sclerae; Osteogenesis Imperfecta Type IV; OSTEOGENESIS IMPERFECTA, TYPE IV, WITH DENTINOGENESIS IMPERFECTA. Identifiers: Orphanet 216820, Orphanet 666, MedGen C0268363, MONDO:0008148, OMIM 166220.

Submissions (2):

Women's Health and Genetics/Laboratory Corporation of America, LabCorp
Classification: Likely pathogenic for Osteogenesis Imperfecta. Last evaluated: 2011-08-18. Review status: criteria provided, single submitter. Criteria: LabCorp Variant Classification Summary - May 2015. Collection method: curation, clinical testing. Allele origin: germline. Inheritance: autosomal unknown. Affected: yes.
ClinVar note: Converted during submission from likely pathogenic to Likely pathogenic.

Molecular Genetics laboratory, Necker Hospital
Classification: Likely pathogenic for Osteogenesis imperfecta with normal sclerae, dominant form. Review status: no assertion criteria provided. Collection method: clinical testing. Allele origin: unknown. Inheritance: Autosomal dominant inheritance. Affected: yes. Observed: 1 heterozygote. Not counted in ClinVar's aggregate classification.

NM_000088.4(COL1A1):c.299_300delAG

Gene: COL1A1 (collagen type I alpha 1 chain; minus strand). Cytogenetic location: 17q21.33.
Variant type: Microsatellite.
Coding change: c.299_300delAG on transcript NM_000088.4 (MANE Select); coding-DNA positions 299 to 300, 2 bases deleted (AG).
Molecular consequence: splice acceptor variant.
Genome position (GRCh38, 1-based): chr17:50,199,589-50,199,590, CT deleted on the plus strand (AG on the coding strand, the reverse complement: COL1A1 is on the minus strand); deleting any 2 consecutive bases within chr17:50,199,589-50,199,592 gives the same sequence; the c. name uses the placement nearest the transcript's 3' end. VCF-style (leftmost placement, unchanged base first): chr17-50199588-ACT-A. GRCh37 (hg19) VCF-style: chr17-48276949-ACT-A.
Identifiers: ClinVar variation 35919 (VCV000035919.7), dbSNP rs193922154, ClinGen allele CA260308.